The following is an entry in ClinVar:

ClinVar aggregate classification (germline): Likely benign (1 of 4 stars; one submission).

Allele frequency attached by ClinVar (database versions not stated): TOPMed 0.00306; ExAC 0.00570; 1000 Genomes Project 0.00140; 1000 Genomes Project 30x 0.00172; ESP Exome Variant Server 0.00301.

Submission:

CeGaT Center for Human Genetics Tuebingen
Classification: Likely benign. Last evaluated: 2023-04-01. Review status: criteria provided, single submitter. Criteria: CeGaT Center For Human Genetics Tuebingen Variant Classification Criteria Version 2. Collection method: clinical testing. Allele origin: germline. Affected: yes. Observed: 1 variant allele.
Comment: EN1: BS2

NM_001426.4(EN1):c.226C>A (p.Pro76Thr)

Gene: EN1 (engrailed homeobox 1; minus strand). Cytogenetic location: 2q14.2.
Variant type: single nucleotide variant.
Coding change: c.226C>A on transcript NM_001426.4 (MANE Select); coding-DNA position 226, C replaced by A.
Protein change: p.Pro76Thr; replaces proline 76 with threonine.
Molecular consequence: missense variant.
Genome position (GRCh38, 1-based): chr2:118,846,942, G>T on the plus strand (C>A on the coding strand, the complement: EN1 is on the minus strand). VCF-style: chr2-118846942-G-T. GRCh37 (hg19) VCF-style: chr2-119604518-G-T.
Other names: short protein forms P76T.
Identifiers: ClinVar variation 2651295 (VCV002651295.24), dbSNP rs185308608, ClinGen allele CA1845474.
Genomic context (GRCh38, chr2:118,846,942, plus strand): 5'-CTGGCTGCGGCTGGTGAGCAGGCGCCGCGAGATGCTGAGGCGGCGGGGGCGGGGGGTGTG[G>T]GGGGAGGTGCGGGTGGTGGGCCAGGGGCGGCAGGCAAGGCGCCGCGGGCGGCGAGGGGGG-3'
Protein context (NP_001417.3, residues 66-86): PPLAHHPHLP[Pro76Thr]HPPPPPPQHL